The following is an entry in ClinVar:

NM_020975.6(RET):c.1895A>T (p.Glu632Val)

Gene: RET (ret proto-oncogene; plus strand). Cytogenetic location: 10q11.21.
Variant type: single nucleotide variant.
Coding change: c.1895A>T on transcript NM_020975.6 (MANE Select); coding-DNA position 1895, A replaced by T.
Protein change: p.Glu632Val; replaces glutamic acid 632 with valine.
Molecular consequence: missense variant.
Genome position (GRCh38, 1-based): chr10:43,114,495, A>T. VCF-style: chr10-43114495-A-T. GRCh37 (hg19) VCF-style: chr10-43609943-A-T.
Other names: c.1895A>T, p.Glu632Val (NM_000323.2, NM_001406743.1, NM_001406744.1 and 4 more transcripts); c.1133A>T, p.Glu378Val (NM_001355216.2); c.1766A>T, p.Glu589Val (NM_001406761.1, NM_001406762.1, NM_001406764.1); c.1607A>T, p.Glu536Val (NM_001406766.1, NM_001406767.1, NM_001406770.1); c.1499A>T, p.Glu500Val (NM_001406769.1, NM_001406772.1); c.1457A>T, p.Glu486Val (NM_001406771.1, NM_001406773.1); c.1370A>T, p.Glu457Val (NM_001406774.1); c.1169A>T, p.Glu390Val (NM_001406775.1, NM_001406776.1, NM_001406777.1 and 1 more transcripts); and 7 more; short protein forms E378V, E632V, E197V, E302V, E333V, E457V, E486V, E500V.
Identifiers: ClinVar variation 941914 (VCV000941914.11), dbSNP rs1335705237, ClinGen allele CA376552906.
Genomic context (GRCh38, chr10:43,114,495, plus strand): 5'-CCGAGCCTCTGGCGGTGCCAAGCCTCACACCACCCCCACCCACAGATCCACTGTGCGACG[A>T]GCTGTGCCGCACGGTGATCGCAGCCGCTGTCCTCTTCTCCTTCATCGTCTCGGTGCTGCT-3'
Protein context (NP_066124.1, residues 622-642): PEDIQDPLCD[Glu632Val]LCRTVIAAAV

ClinVar aggregate classification (germline): Uncertain significance. Review status: criteria provided, multiple submitters, no conflicts (2 of 4 stars). 2 submissions from 2 submitters: Uncertain significance (2). Last evaluated 2023-10-13.

Conditions:
Hereditary cancer-predisposing syndrome. Also called: Hereditary neoplastic syndrome; Neoplastic Syndromes, Hereditary; Tumor predisposition; Hereditary Cancer Syndrome. Identifiers: Orphanet 140162, MedGen C0027672, MeSH D009386, MONDO:0015356.
Multiple endocrine neoplasia, type 2 (MEN2). Identifiers: Orphanet 653, MedGen C4048306, MONDO:0019003. Disease mechanism: gain of function.

Submissions (2):

Ambry Genetics
Classification: Uncertain significance for Hereditary cancer-predisposing syndrome. Last evaluated: 2023-10-13. Review status: criteria provided, single submitter. Criteria: Ambry Variant Classification Scheme 2023. Collection method: clinical testing. Allele origin: germline.
Comment: The p.E632V variant (also known as c.1895A>T), located in coding exon 11 of the RET gene, results from an A to T substitution at nucleotide position 1895. The glutamic acid at codon 632 is replaced by valine, an amino acid with dissimilar properties. This amino acid position is conserved. In addition, the in silico prediction for this alteration is inconclusive. Since supporting evidence is limited at this time, the clinical significance of this alteration remains unclear.

Labcorp Genetics (formerly Invitae), Labcorp
Classification: Uncertain significance for Multiple endocrine neoplasia, type 2. Last evaluated: 2023-09-18. Review status: criteria provided, single submitter. Criteria: Invitae Variant Classification Sherloc (09022015). Collection method: clinical testing. Allele origin: germline.
Comment: This sequence change replaces glutamic acid, which is acidic and polar, with valine, which is neutral and non-polar, at codon 632 of the RET protein (p.Glu632Val). This variant is not present in population databases (gnomAD no frequency). This variant has not been reported in the literature in individuals affected with RET-related conditions. ClinVar contains an entry for this variant (Variation ID: 941914). An algorithm developed to predict the effect of missense changes on protein structure and function (PolyPhen-2) suggests that this variant is likely to be tolerated. In summary, the available evidence is currently insufficient to determine the role of this variant in disease. Therefore, it has been classified as a Variant of Uncertain Significance.